The following is an entry in ClinVar:

ClinVar aggregate classification (germline): Uncertain significance (0 of 4 stars; one submission).

Conditions:
ARHGAP31-related disorder. Also called: ARHGAP31-related condition.

gnomAD v4.1: 4 of 1,614,224 alleles (0.00025%); highest among the groups gnomAD compares: Non-Finnish European, 0.00025%; no homozygotes.

Submission:

PreventionGenetics, part of Exact Sciences
Classification: Uncertain significance for ARHGAP31-related condition. Last evaluated: 2024-07-15. Review status: no assertion criteria provided. Collection method: clinical testing. Allele origin: germline.
Comment: The ARHGAP31 c.2767C>A variant is predicted to result in the amino acid substitution p.Leu923Met. To our knowledge, this variant has not been reported in the literature or in a large population database, indicating this variant is rare. At this time, the clinical significance of this variant is uncertain due to the absence of conclusive functional and genetic evidence.

NM_020754.4(ARHGAP31):c.2767C>A (p.Leu923Met)

Gene: ARHGAP31 (Rho GTPase activating protein 31; plus strand). Cytogenetic location: 3q13.33.
Variant type: single nucleotide variant.
Coding change: c.2767C>A on transcript NM_020754.4 (MANE Select); coding-DNA position 2767, C replaced by A.
Protein change: p.Leu923Met; replaces leucine 923 with methionine.
Molecular consequence: missense variant.
Genome position (GRCh38, 1-based): chr3:119,414,696, C>A. VCF-style: chr3-119414696-C-A. GRCh37 (hg19) VCF-style: chr3-119133543-C-A.
Other names: short protein forms L923M.
Identifiers: ClinVar variation 3347751 (VCV003347751.1).